The following is an entry in ClinVar:

NM_006904.7(PRKDC):c.3607T>A (p.Ser1203Thr)

Gene: PRKDC (protein kinase, DNA-activated, catalytic subunit; minus strand). Cytogenetic location: 8q11.21.
Variant type: single nucleotide variant.
Coding change: c.3607T>A on transcript NM_006904.7 (MANE Select); coding-DNA position 3607, T replaced by A.
Protein change: p.Ser1203Thr; replaces serine 1203 with threonine.
Molecular consequence: missense variant.
Genome position (GRCh38, 1-based): chr8:47,893,379, A>T on the plus strand (T>A on the coding strand, the complement: PRKDC is on the minus strand). VCF-style: chr8-47893379-A-T. GRCh37 (hg19) VCF-style: chr8-48805939-A-T.
Other names: c.3607T>A, p.Ser1203Thr (NM_001081640.2); short protein forms S1203T.
Identifiers: ClinVar variation 3225838 (VCV003225838.1), dbSNP rs2089506403, ClinGen allele CA371151337.

ClinVar aggregate classification (germline): Uncertain significance (1 of 4 stars; one submission).

Allele frequency attached by ClinVar (database versions not stated): TOPMed below 0.00001.

Submission:

Ambry Genetics
Classification: Uncertain significance. Last evaluated: 2024-02-25. Review status: criteria provided, single submitter. Criteria: Ambry Variant Classification Scheme 2023. Collection method: clinical testing. Allele origin: germline.
Comment: The p.S1203T variant (also known as c.3607T>A), located in coding exon 31 of the PRKDC gene, results from a T to A substitution at nucleotide position 3607. The serine at codon 1203 is replaced by threonine, an amino acid with similar properties. This amino acid position is conserved. In addition, this alteration is predicted to be tolerated by in silico analysis. Based on the available evidence, the clinical significance of this alteration remains unclear.